The following is an entry in ClinVar:

ClinVar aggregate classification (germline): Uncertain significance (1 of 4 stars; one submission).

gnomAD v4.1: 75 of 1,614,130 alleles (0.0046%); highest among the groups gnomAD compares: Middle Eastern, 0.066%; no homozygotes.

Submission:

Labcorp Genetics (formerly Invitae), Labcorp
Classification: Uncertain significance. Last evaluated: 2025-03-17. Review status: criteria provided, single submitter. Criteria: Invitae Variant Classification Sherloc (09022015). Collection method: clinical testing. Allele origin: germline.
Comment: This sequence change replaces alanine, which is neutral and non-polar, with threonine, which is neutral and polar, at codon 604 of the DISP1 protein (p.Ala604Thr). This variant is present in population databases (rs375851211, gnomAD 0.02%). This variant has not been reported in the literature in individuals affected with DISP1-related conditions. ClinVar contains an entry for this variant (Variation ID: 2186505). An algorithm developed to predict the effect of missense changes on protein structure and function (PolyPhen-2) suggests that this variant is likely to be tolerated. In summary, the available evidence is currently insufficient to determine the role of this variant in disease. Therefore, it has been classified as a Variant of Uncertain Significance.

NM_001377229.1(DISP1):c.1810G>A (p.Ala604Thr)

Gene: DISP1 (dispatched RND transporter family member 1; plus strand). Cytogenetic location: 1q41.
Variant type: single nucleotide variant.
Coding change: c.1810G>A on transcript NM_001377229.1 (MANE Select); coding-DNA position 1810, G replaced by A.
Protein change: p.Ala604Thr; replaces alanine 604 with threonine.
Molecular consequence: missense variant.
Genome position (GRCh38, 1-based): chr1:223,003,207, G>A. VCF-style: chr1-223003207-G-A. GRCh37 (hg19) VCF-style: chr1-223176549-G-A.
Other names: c.1081G>A, p.Ala361Thr (NM_001350630.2); c.1810G>A, p.Ala604Thr (NM_001369594.1, NM_001377228.1, NM_032890.5); short protein forms A604T, A361T.
Identifiers: ClinVar variation 2186505 (VCV002186505.4), dbSNP rs375851211, ClinGen allele CA1409128.
Genomic context (GRCh38, chr1:223,003,207, plus strand): 5'-ACAAAATTTGATAAGCCTCATGCCGAAACCTCAGAAACAGTAAGCATCACCTTGCAGCAC[G>A]CTGCCCTCTCCATGTTCGTCACCAGTTTTACCACTGCTGCTGCCTTTTATGCTAACTATG-3'
Protein context (NP_001364158.1, residues 594-614): SETVSITLQH[Ala604Thr]ALSMFVTSFT